The following is an entry in ClinVar:

ClinVar aggregate classification (germline): Likely benign (1 of 4 stars; one submission).

gnomAD v4.1: 17 of 1,614,058 alleles (0.0011%); highest among the groups gnomAD compares: Middle Eastern, 0.016%; no homozygotes.

Submission:

CeGaT Center for Human Genetics Tuebingen
Classification: Likely benign. Last evaluated: 2026-01-01. Review status: criteria provided, single submitter. Criteria: CeGaT Center For Human Genetics Tuebingen Variant Classification Criteria Version 2. Collection method: clinical testing. Allele origin: germline. Affected: yes. Observed: 1 variant allele.
Comment: DHPS: BP4, BP7

NM_001930.4(DHPS):c.237G>A (p.Gln79=)

Gene: DHPS (deoxyhypusine synthase; minus strand). Cytogenetic location: 19p13.13.
Variant type: single nucleotide variant.
Coding change: c.237G>A on transcript NM_001930.4 (MANE Select); coding-DNA position 237, G replaced by A.
Protein change: p.Gln79=; no amino-acid change (glutamine 79 retained).
Molecular consequence: synonymous variant. On other transcripts: 5 prime UTR variant (1), non-coding transcript variant (4).
Genome position (GRCh38, 1-based): chr19:12,680,296, C>T on the plus strand (G>A on the coding strand, the complement: DHPS is on the minus strand). VCF-style: chr19-12680296-C-T. GRCh37 (hg19) VCF-style: chr19-12791110-C-T.
Other names: c.111G>A, p.Gln37= (NM_001206974.2); c.237G>A, p.Gln79= (NM_001369691.1, NM_001369692.1, NM_013406.3); c.-278G>A (NM_001369693.1).
Identifiers: ClinVar variation 4821435 (VCV004821435.4).